The following is an entry in ClinVar:

NM_000228.3(LAMB3):c.1288+5G>A

Gene: LAMB3 (laminin subunit beta 3; minus strand). Cytogenetic location: 1q32.2.
Variant type: single nucleotide variant.
Coding change: c.1288+5G>A on transcript NM_000228.3 (MANE Select); 5 bases into the intron after coding-DNA position 1288, G replaced by A.
Molecular consequence: intron variant.
Genome position (GRCh38, 1-based): chr1:209,628,030, C>T on the plus strand (G>A on the coding strand, the complement: LAMB3 is on the minus strand). VCF-style: chr1-209628030-C-T. GRCh37 (hg19) VCF-style: chr1-209801375-C-T.
Other names: c.1288+5G>A (NM_001127641.1, NM_001017402.2).
Identifiers: ClinVar variation 4999547 (VCV004999547.1).

ClinVar aggregate classification (germline): Uncertain significance (1 of 4 stars; one submission).

Conditions:
LAMB3-related disorder. Also called: LAMB3-related condition.

gnomAD v4.1: 1 of 1,599,938 alleles (0.000063%); no homozygotes.

Submission:

PreventionGenetics, part of Exact Sciences
Classification: Uncertain significance for LAMB3-related condition. Last evaluated: 2025-06-18. Review status: criteria provided, single submitter. Criteria: ACMG Guidelines, 2015. Collection method: clinical testing. Allele origin: germline.
Comment: The LAMB3 c.1288+5G>A variant is predicted to interfere with splicing. Based on available splicing prediction programs (Alamut Visual v1.6.1; SpliceAI, Jaganathan et al. 2019. PubMed ID: 30661751), this variant is predicted to abolish the consensus splice donor site; however, the use of computer prediction programs is not equivalent to functional evidence. To our knowledge, this variant has not been reported in the literature or in a large population database gnomAD), indicating this variant is rare. At this time, the clinical significance of this variant is uncertain due to the absence of conclusive functional and genetic evidence.